The following is an entry in ClinVar:

NM_019066.5(MAGEL2):c.3132G>A (p.Ser1044=)

Gene: MAGEL2 (MAGE family member L2; minus strand). Cytogenetic location: 15q11.2.
Variant type: single nucleotide variant.
Coding change: c.3132G>A on transcript NM_019066.5 (MANE Select); coding-DNA position 3132, G replaced by A.
Protein change: p.Ser1044=; no amino-acid change (serine 1044 retained).
Molecular consequence: synonymous variant.
Genome position (GRCh38, 1-based): chr15:23,644,611, C>T on the plus strand (G>A on the coding strand, the complement: MAGEL2 is on the minus strand). VCF-style: chr15-23644611-C-T. GRCh37 (hg19) VCF-style: chr15-23889758-C-T.
Identifiers: ClinVar variation 2187258 (VCV002187258.12), dbSNP rs779589753, ClinGen allele CA7429740.
Genomic context (GRCh38, chr15:23,644,611, plus strand): 5'-ACGGTTGATGATATCTAAGCACTCATCTTTATACTCTCGGAGGATGACTTTCACCATCTC[C>T]GAGCGCTGGACAGGCACCTTGGCTTGGTCCTTGACTAAGAGGAACTGCACCAACGCATTT-3'
Protein context (NP_061939.3, residues 1034-1054): KDQAKVPVQR[Ser1044=]EMVKVILREY

ClinVar aggregate classification (germline): Likely benign. Review status: criteria provided, multiple submitters, no conflicts (2 of 4 stars). 2 submissions from 2 submitters: Likely benign (2). Last evaluated 2026-01-19.

Allele frequency attached by ClinVar (database versions not stated): gnomAD 0.00003; ExAC 0.00007.

Submissions (2):

Labcorp Genetics (formerly Invitae), Labcorp
Classification: Likely benign. Last evaluated: 2026-01-19. Review status: criteria provided, single submitter. Criteria: Invitae Variant Classification Sherloc (09022015). Collection method: clinical testing. Allele origin: germline.

CeGaT Center for Human Genetics Tuebingen
Classification: Likely benign. Last evaluated: 2025-07-01. Review status: criteria provided, single submitter. Criteria: CeGaT Center For Human Genetics Tuebingen Variant Classification Criteria Version 2. Collection method: clinical testing. Allele origin: germline. Affected: yes. Observed: 1 variant allele.
Comment: MAGEL2: BP4, BP7